The following is an entry in ClinVar:

NM_001430.5(EPAS1):c.1035-6C>G

Gene: EPAS1 (endothelial PAS domain protein 1; plus strand). Cytogenetic location: 2p21.
Variant type: single nucleotide variant.
Coding change: c.1035-6C>G on transcript NM_001430.5 (MANE Select); 6 bases into the intron before coding-DNA position 1035, C replaced by G.
Molecular consequence: intron variant.
Genome position (GRCh38, 1-based): chr2:46,376,533, C>G. VCF-style: chr2-46376533-C-G. GRCh37 (hg19) VCF-style: chr2-46603672-C-G.
Other names: p.?.
Identifiers: ClinVar variation 336259 (VCV000336259.13), dbSNP rs187543960, ClinGen allele CA1644873.

ClinVar aggregate classification (germline): Benign/Likely benign. Review status: criteria provided, multiple submitters, no conflicts (2 of 4 stars). 4 submissions from 4 submitters: Benign (2); Likely benign (2). Last evaluated 2025-10-13.

Conditions:
Erythrocytosis, familial, 4 (ECYT4). Identifiers: Orphanet 247511, MedGen C2673187, MONDO:0012729, OMIM 611783.

Allele frequency attached by ClinVar (database versions not stated): gnomAD 0.00009 and 0.00014; TOPMed 0.00023; 1000 Genomes Project 30x 0.00062; 1000 Genomes Project 0.00080.
gnomAD v4.1: 163 of 1,613,810 alleles (0.01%); highest among the groups gnomAD compares: East Asian, 0.23%; 1 homozygote.

Submissions (4):

Labcorp Genetics (formerly Invitae), Labcorp
Classification: Benign. Last evaluated: 2025-10-13. Review status: criteria provided, single submitter. Criteria: Invitae Variant Classification Sherloc (09022015). Collection method: clinical testing. Allele origin: germline.

Mayo Clinic Laboratories, Mayo Clinic
Classification: Likely benign. Last evaluated: 2024-11-12. Review status: criteria provided, single submitter. Criteria: ACMG Guidelines, 2015. Collection method: clinical testing. Allele origin: germline. Observed: 1 variant allele.
Comment: BP4, BP7

Blueprint Genetics
Classification: Likely benign. Last evaluated: 2024-02-19. Review status: criteria provided, single submitter. Criteria: ACMG Guidelines, 2015. Collection method: clinical testing. Allele origin: germline.

Illumina Laboratory Services, Illumina
Classification: Benign for Erythrocytosis, familial, 4. Last evaluated: 2018-01-13. Review status: criteria provided, single submitter. Criteria: ICSL Variant Classification Criteria 13 December 2019. Collection method: clinical testing. Allele origin: germline.
Comment: This variant was observed in the ICSL laboratory as part of a predisposition screen in an ostensibly healthy population. It had not been previously curated by ICSL or reported in the Human Gene Mutation Database (HGMD: prior to June 1st, 2018), and was therefore a candidate for classification through an automated scoring system. Utilizing variant allele frequency, disease prevalence and penetrance estimates, and inheritance mode, an automated score was calculated to assess if this variant is too frequent to cause the disease. Based on the score and internal cut-off values, a variant classified as benign is not then subjected to further curation. The score for this variant resulted in a classification of benign for this disease.